The following is an entry in ClinVar:

ClinVar aggregate classification (germline): Uncertain significance (1 of 4 stars; one submission).

Submission:

Labcorp Genetics (formerly Invitae), Labcorp
Classification: Uncertain significance. Last evaluated: 2022-03-09. Review status: criteria provided, single submitter. Criteria: Invitae Variant Classification Sherloc (09022015). Collection method: clinical testing. Allele origin: germline.
Comment: This sequence change replaces valine, which is neutral and non-polar, with leucine, which is neutral and non-polar, at codon 96 of the EPS8L2 protein (p.Val96Leu). This variant is not present in population databases (gnomAD no frequency). This variant has not been reported in the literature in individuals affected with EPS8L2-related conditions. Algorithms developed to predict the effect of missense changes on protein structure and function are either unavailable or do not agree on the potential impact of this missense change (SIFT: "Tolerated"; PolyPhen-2: "Possibly Damaging"; Align-GVGD: "Class C0"). Algorithms developed to predict the effect of sequence changes on RNA splicing suggest that this variant may disrupt the consensus splice site. In summary, the available evidence is currently insufficient to determine the role of this variant in disease. Therefore, it has been classified as a Variant of Uncertain Significance.

NM_022772.4(EPS8L2):c.286G>T (p.Val96Leu)

Gene: EPS8L2 (EPS8 signaling adaptor L2; plus strand). Cytogenetic location: 11p15.5.
Variant type: single nucleotide variant.
Coding change: c.286G>T on transcript NM_022772.4 (MANE Select); coding-DNA position 286, G replaced by T.
Protein change: p.Val96Leu; replaces valine 96 with leucine.
Molecular consequence: missense variant.
Genome position (GRCh38, 1-based): chr11:720,182, G>T. VCF-style: chr11-720182-G-T. GRCh37 (hg19) VCF-style: chr11-720182-G-T.
Other names: short protein forms V96L.
Identifiers: ClinVar variation 1348923 (VCV001348923.6), dbSNP rs1195778950, ClinGen allele CA378962379.